The following is an entry in ClinVar:

ClinVar aggregate classification (germline): Benign. Review status: reviewed by expert panel (3 of 4 stars). 5 submissions from 5 submitters: Benign (1). 4 of the submissions do not count toward it. Last evaluated 2025-01-30.

Conditions:
Cone-rod dystrophy 6 (CORD6). Also called: Cone dystrophy progressive; RETINAL CONE DYSTROPHY 2. Identifiers: Orphanet 1872, MedGen C1866293, MONDO:0011143, OMIM 601777.
Leber congenital amaurosis 1 (LCA1). Also called: RETINAL BLINDNESS, CONGENITAL; AMAUROSIS CONGENITA OF LEBER I; Congenital absence of the rods and cones; Leber's congenital tapetoretinal degeneration; Leber's congenital tapetoretinal dysplasia. Identifiers: Orphanet 65, MedGen C2931258, MONDO:0008764, OMIM 204000.
GUCY2D-related recessive retinopathy. Also called: Recessive GUCY2D retinopathy. Identifiers: MedGen CN305603, MONDO:0100453.

Allele frequency attached by ClinVar (database versions not stated): 1000 Genomes Project 30x 0.01062; 1000 Genomes Project 0.01078; TOPMed 0.01709; ESP Exome Variant Server 0.01945.
gnomAD v4.1: 33,306 of 1,608,096 alleles (2.1%); highest among the groups gnomAD compares: Middle Eastern, 5.8%; 458 homozygotes.

Submissions (5):

ClinGen Leber Congenital Amaurosis/early Onset Retinal Dystrophy Variant Curation Expert Panel, ClinGen
Classification: Benign for GUCY2D-related recessive retinopathy. Last evaluated: 2025-01-30. Review status: reviewed by expert panel. Criteria: ClinGen LCAeoRD ACMG Specifications GUCY2D V1.0.0. Collection method: curation. Allele origin: germline. Inheritance: Autosomal recessive inheritance.
Comment: The intronic variant NM_000180.4(GUCY2D):c.3043+11C>T is present in gnomAD v.4.1.0 at a GrpMax allele frequency of 0.02165, with 2985 alleles / 124736 total alleles in the European (non-Finnish) population, which is higher than the ClinGen LCA / eoRD VCEP BA1 threshold of >0.016 (BA1). This variant has been found in the homozygous state in 458 adult individuals in gnomAD which exceeds the LCA/eoRD VCEP threshold of ≥6 (gnomAD version 4.1.0; BS2). The splicing impact predictor SpliceAI gives a delta score of 0.01, which is below the ClinGen LCA/eoRD VCEP recommended threshold of <0.1 and does not predict an impact on splicing (BP4, BP7). In summary, this variant meets the criteria to be classified as Benign for GUCY2D-related recessive retinopathy based on the ACMG/AMP criteria applied, as specified by the ClinGen LCA/eoRD VCEP: BA1, BS2, BP4, BP7. (VCEP specifications version 1.0.0; date of approval 01/22/2025)

Labcorp Genetics (formerly Invitae), Labcorp
Classification: Benign for Leber congenital amaurosis 1; Cone-rod dystrophy 6. Last evaluated: 2026-02-01. Review status: criteria provided, single submitter. Criteria: Invitae Variant Classification Sherloc (09022015). Collection method: clinical testing. Allele origin: germline. Not counted in ClinVar's aggregate classification.

ARUP Laboratories, Molecular Genetics and Genomics, ARUP Laboratories
Classification: Benign. Last evaluated: 2023-11-29. Review status: criteria provided, single submitter. Criteria: ARUP Molecular Germline Variant Investigation Process 2024. Collection method: clinical testing. Allele origin: germline. Not counted in ClinVar's aggregate classification.

GeneDx
Classification: Likely benign. Last evaluated: 2018-12-09. Review status: criteria provided, single submitter. Criteria: GeneDx Variant Classification Process June 2021. Collection method: clinical testing. Allele origin: germline. Affected: yes. Not counted in ClinVar's aggregate classification.

Breakthrough Genomics
Classification: Likely benign. Review status: criteria provided, single submitter. Criteria: ACMG Guidelines, 2015. Collection method: not provided. Allele origin: germline. Inheritance: Autosomal recessive inheritance. Affected: yes. Not counted in ClinVar's aggregate classification.

NM_000180.4(GUCY2D):c.3043+11C>T

Gene: GUCY2D (guanylate cyclase 2D, retinal; plus strand). Cytogenetic location: 17p13.1.
Variant type: single nucleotide variant.
Coding change: c.3043+11C>T on transcript NM_000180.4 (MANE Select); 11 bases into the intron after coding-DNA position 3043, C replaced by T.
Molecular consequence: intron variant.
Genome position (GRCh38, 1-based): chr17:8,015,852, C>T. VCF-style: chr17-8015852-C-T. GRCh37 (hg19) VCF-style: chr17-7919170-C-T.
Identifiers: ClinVar variation 993978 (VCV000993978.21), dbSNP rs116870332, ClinGen allele CA8366285.